The following is an entry in ClinVar:

NM_001355436.2(SPTB):c.5227G>A (p.Gly1743Arg)

Gene: SPTB (spectrin beta, erythrocytic; minus strand). Cytogenetic location: 14q23.3.
Variant type: single nucleotide variant.
Coding change: c.5227G>A on transcript NM_001355436.2 (MANE Select); coding-DNA position 5227, G replaced by A.
Protein change: p.Gly1743Arg; replaces glycine 1743 with arginine.
Molecular consequence: missense variant.
Genome position (GRCh38, 1-based): chr14:64,772,906, C>T on the plus strand (G>A on the coding strand, the complement: SPTB is on the minus strand). VCF-style: chr14-64772906-C-T. GRCh37 (hg19) VCF-style: chr14-65239624-C-T.
Other names: c.5227G>A, p.Gly1743Arg (NM_001024858.4, NM_001355437.2); short protein forms G1743R.
Identifiers: ClinVar variation 2436404 (VCV002436404.6), dbSNP rs2503057793, ClinGen allele CA390041378.

ClinVar aggregate classification (germline): Uncertain significance. Review status: criteria provided, multiple submitters, no conflicts (2 of 4 stars). 2 submissions from 2 submitters: Uncertain significance (2). Last evaluated 2023-04-10.

Allele frequency attached by ClinVar (database versions not stated): gnomAD exomes below 0.00001.
gnomAD v4.1: 1 of 1,605,336 alleles (0.000062%); highest among the groups gnomAD compares: Non-Finnish European, 0.000085%; no homozygotes.

Submissions (2):

Labcorp Genetics (formerly Invitae), Labcorp
Classification: Uncertain significance. Last evaluated: 2023-04-10. Review status: criteria provided, single submitter. Criteria: Invitae Variant Classification Sherloc (09022015). Collection method: clinical testing. Allele origin: germline.
Comment: This variant has not been reported in the literature in individuals affected with SPTB-related conditions. In summary, the available evidence is currently insufficient to determine the role of this variant in disease. Therefore, it has been classified as a Variant of Uncertain Significance. An algorithm developed to predict the effect of missense changes on protein structure and function (PolyPhen-2) suggests that this variant is likely to be disruptive. ClinVar contains an entry for this variant (Variation ID: 2436404). This variant is not present in population databases (gnomAD no frequency). This sequence change replaces glycine, which is neutral and non-polar, with arginine, which is basic and polar, at codon 1743 of the SPTB protein (p.Gly1743Arg).

Revvity Omics, Revvity
Classification: Uncertain significance. Last evaluated: 2021-12-17. Review status: criteria provided, single submitter. Criteria: ACMG Guidelines, 2015. Collection method: clinical testing. Allele origin: germline.